The following is an entry in ClinVar:

ClinVar aggregate classification (germline): Uncertain significance (1 of 4 stars; one submission).

gnomAD v4.1: 6 of 1,613,868 alleles (0.00037%); highest among the groups gnomAD compares: African/African-American, 0.008%; no homozygotes.

Submission:

Labcorp Genetics (formerly Invitae), Labcorp
Classification: Uncertain significance. Last evaluated: 2025-01-24. Review status: criteria provided, single submitter. Criteria: Invitae Variant Classification Sherloc (09022015). Collection method: clinical testing. Allele origin: germline.
Comment: This sequence change replaces glycine, which is neutral and non-polar, with arginine, which is basic and polar, at codon 736 of the SULF1 protein (p.Gly736Arg). This variant is present in population databases (no rsID available, gnomAD 0.008%). This variant has not been reported in the literature in individuals affected with SULF1-related conditions. An algorithm developed to predict the effect of missense changes on protein structure and function (PolyPhen-2) suggests that this variant is likely to be tolerated. In summary, the available evidence is currently insufficient to determine the role of this variant in disease. Therefore, it has been classified as a Variant of Uncertain Significance.

NM_001128205.2(SULF1):c.2206G>C (p.Gly736Arg)

Gene: SULF1 (sulfatase 1; plus strand). Cytogenetic location: 8q13.3.
Variant type: single nucleotide variant.
Coding change: c.2206G>C on transcript NM_001128205.2 (MANE Select); coding-DNA position 2206, G replaced by C.
Protein change: p.Gly736Arg; replaces glycine 736 with arginine.
Molecular consequence: missense variant. On other transcripts: non-coding transcript variant (7).
Genome position (GRCh38, 1-based): chr8:69,629,601, G>C. VCF-style: chr8-69629601-G-C. GRCh37 (hg19) VCF-style: chr8-70541836-G-C.
Other names: c.2020G>C, p.Gly674Arg (NM_001412842.1, NM_001412841.1); c.1606G>C, p.Gly536Arg (NM_001412844.1, NM_001412845.1); c.415G>C, p.Gly139Arg (NM_001412846.1); c.2206G>C, p.Gly736Arg (NM_001412850.1, NM_001412851.1, NM_015170.3 and 9 more transcripts); c.2077G>C, p.Gly693Arg (NM_001412832.1, NM_001412838.1, NM_001412839.1 and 1 more transcripts); c.2149G>C, p.Gly717Arg (NM_001412836.1, NM_001412837.1); short protein forms G139R, G536R, G674R, G693R, G717R, G736R.
Identifiers: ClinVar variation 3609886 (VCV003609886.2).